The following is an entry in ClinVar:

NM_000051.4(ATM):c.262G>T (p.Ala88Ser)

Gene: ATM (ATM serine/threonine kinase; plus strand). Cytogenetic location: 11q22.3.
Variant type: single nucleotide variant.
Coding change: c.262G>T on transcript NM_000051.4 (MANE Select); coding-DNA position 262, G replaced by T.
Protein change: p.Ala88Ser; replaces alanine 88 with serine.
Molecular consequence: missense variant.
Genome position (GRCh38, 1-based): chr11:108,229,254, G>T. VCF-style: chr11-108229254-G-T. GRCh37 (hg19) VCF-style: chr11-108099981-G-T.
Other names: c.262G>T, p.Ala88Ser (NM_001351834.2, NM_001351835.2, NM_001351836.2); short protein forms A88S.
Identifiers: ClinVar variation 821567 (VCV000821567.4), dbSNP rs1591451921, ClinGen allele CA382521604.

ClinVar aggregate classification (germline): Uncertain significance (1 of 4 stars; one submission).

Conditions:
Hereditary cancer-predisposing syndrome. Also called: Tumor predisposition; Hereditary Cancer Syndrome; Neoplastic Syndromes, Hereditary; Hereditary neoplastic syndrome. Identifiers: Orphanet 140162, MedGen C0027672, MeSH D009386, MONDO:0015356.

Submission:

Ambry Genetics
Classification: Uncertain significance for Hereditary cancer-predisposing syndrome. Last evaluated: 2018-10-09. Review status: criteria provided, single submitter. Criteria: Ambry Variant Classification Scheme 2023. Collection method: clinical testing. Allele origin: germline.
Comment: The p.A88S variant (also known as c.262G>T), located in coding exon 3 of the ATM gene, results from a G to T substitution at nucleotide position 262. The alanine at codon 88 is replaced by serine, an amino acid with similar properties. This amino acid position is poorly conserved in available vertebrate species. In addition, this alteration is predicted to be tolerated by in silico analysis. Since supporting evidence is limited at this time, the clinical significance of this alteration remains unclear.